The following is an entry in ClinVar:

ClinVar aggregate classification (germline): Uncertain significance. Review status: criteria provided, multiple submitters, no conflicts (2 of 4 stars). 3 submissions from 3 submitters: Uncertain significance (3). Last evaluated 2024-05-13.

Conditions:
Hereditary cancer-predisposing syndrome. Also called: Neoplastic Syndromes, Hereditary; Tumor predisposition; Hereditary Cancer Syndrome; Hereditary neoplastic syndrome. Identifiers: Orphanet 140162, MedGen C0027672, MeSH D009386, MONDO:0015356.
Hereditary nonpolyposis colorectal neoplasms. Identifiers: MedGen C0009405, MeSH D003123.

Submissions (3):

Labcorp Genetics (formerly Invitae), Labcorp
Classification: Uncertain significance for Hereditary nonpolyposis colorectal neoplasms. Last evaluated: 2024-05-13. Review status: criteria provided, single submitter. Criteria: Invitae Variant Classification Sherloc (09022015). Collection method: clinical testing. Allele origin: germline.
Comment: This sequence change replaces glycine, which is neutral and non-polar, with alanine, which is neutral and non-polar, at codon 1093 of the MSH6 protein (p.Gly1093Ala). This variant is not present in population databases (gnomAD no frequency). This variant has not been reported in the literature in individuals affected with MSH6-related conditions. ClinVar contains an entry for this variant (Variation ID: 925013). Advanced modeling of protein sequence and biophysical properties (such as structural, functional, and spatial information, amino acid conservation, physicochemical variation, residue mobility, and thermodynamic stability) performed at Invitae indicates that this missense variant is not expected to disrupt MSH6 protein function with a negative predictive value of 95%. In summary, the available evidence is currently insufficient to determine the role of this variant in disease. Therefore, it has been classified as a Variant of Uncertain Significance.

Color Diagnostics, LLC DBA Color Health
Classification: Uncertain significance for Hereditary cancer-predisposing syndrome. Last evaluated: 2023-12-04. Review status: criteria provided, single submitter. Criteria: ACMG Guidelines, 2015. Collection method: clinical testing. Allele origin: germline.
Comment: This missense variant replaces glycine with alanine at codon 1093 of the MSH6 protein. Computational prediction is inconclusive regarding the impact of this variant on protein structure and function (internally defined REVEL score threshold 0.5 < inconclusive < 0.7, PMID: 27666373). To our knowledge, functional studies have not been reported for this variant. This variant has not been reported in individuals affected with MSH6-related disorders in the literature. This variant has not been identified in the general population by the Genome Aggregation Database (gnomAD). The available evidence is insufficient to determine the role of this variant in disease conclusively. Therefore, this variant is classified as a Variant of Uncertain Significance.

Ambry Genetics
Classification: Uncertain significance for Hereditary cancer-predisposing syndrome. Last evaluated: 2022-01-31. Review status: criteria provided, single submitter. Criteria: Ambry Variant Classification Scheme 2023. Collection method: clinical testing. Allele origin: germline.
Comment: The p.G1093A variant (also known as c.3278G>C), located in coding exon 5 of the MSH6 gene, results from a G to C substitution at nucleotide position 3278. The glycine at codon 1093 is replaced by alanine, an amino acid with similar properties. This amino acid position is conserved. In addition, the in silico prediction for this alteration is inconclusive. Since supporting evidence is limited at this time, the clinical significance of this alteration remains unclear.

NM_000179.3(MSH6):c.3278G>C (p.Gly1093Ala)

Gene: MSH6 (mutS homolog 6; plus strand). Cytogenetic location: 2p16.3.
Variant type: single nucleotide variant.
Coding change: c.3278G>C on transcript NM_000179.3 (MANE Select); coding-DNA position 3278, G replaced by C.
Protein change: p.Gly1093Ala; replaces glycine 1093 with alanine.
Molecular consequence: missense variant.
Genome position (GRCh38, 1-based): chr2:47,803,525, G>C. VCF-style: chr2-47803525-G-C. GRCh37 (hg19) VCF-style: chr2-48030664-G-C.
Other names: c.2888G>C, p.Gly963Ala (NM_001281492.2); c.2372G>C, p.Gly791Ala (NM_001281493.2, NM_001281494.2); short protein forms G791A, G1093A, G963A.
Identifiers: ClinVar variation 925013 (VCV000925013.8), dbSNP rs876661048, ClinGen allele CA346758308.